The following is an entry in ClinVar:

ClinVar aggregate classification (germline): Uncertain significance (1 of 4 stars; one submission).

Conditions:
Rhabdoid tumor predisposition syndrome 2 (RTPS2). Identifiers: Orphanet 231108, Orphanet 69077, MedGen C2750074, MONDO:0013224, OMIM 613325.

Allele frequency attached by ClinVar (database versions not stated): gnomAD exomes below 0.00001.
gnomAD v4.1: 1 of 1,586,874 alleles (0.000063%); highest among the groups gnomAD compares: Non-Finnish European, 0.000086%; no homozygotes.

Submission:

Labcorp Genetics (formerly Invitae), Labcorp
Classification: Uncertain significance for Rhabdoid tumor predisposition syndrome 2. Last evaluated: 2023-02-04. Review status: criteria provided, single submitter. Criteria: Invitae Variant Classification Sherloc (09022015). Collection method: clinical testing. Allele origin: germline.
Comment: In summary, the available evidence is currently insufficient to determine the role of this variant in disease. Therefore, it has been classified as a Variant of Uncertain Significance. Algorithms developed to predict the effect of sequence changes on RNA splicing suggest that this variant may disrupt the consensus splice site. This variant has not been reported in the literature in individuals affected with SMARCA4-related conditions. This variant is not present in population databases (gnomAD no frequency). This sequence change affects a donor splice site in intron 30 of the SMARCA4 gene. Loss-of-function variants in SMARCA4 are known to be pathogenic (PMID: 24658001, 24658002). However, tissue-specific alternative splicing of SMARCA4 gene results in functional isoforms lacking in-frame exon 30 (also known as exon 28B, PMID: 18437052). For this reason the clinical significance of loss of function variants in exon 30 is currently uncertain.

Literature cited by the submitters: PubMed 24658001; PubMed 24658002.

NM_001387283.1(SMARCA4):c.4266+2T>A

Gene: SMARCA4 (SWI/SNF related BAF chromatin remodeling complex subunit ATPase 4; plus strand). Cytogenetic location: 19p13.2.
Variant type: single nucleotide variant.
Coding change: c.4266+2T>A on transcript NM_001387283.1 (MANE Plus Clinical); the canonical splice donor site of the intron after coding-DNA position 4266, T replaced by A.
Molecular consequence: splice donor variant. On other transcripts: intron variant (7).
Genome position (GRCh38, 1-based): chr19:11,039,555, T>A. VCF-style: chr19-11039555-T-A. GRCh37 (hg19) VCF-style: chr19-11150231-T-A.
Other names: c.4171-1752T>A (NM_001128844.3, NM_003072.5); c.4266+2T>A (NM_001128849.3); c.4072-1752T>A (NM_001128847.4, NM_001374457.1, NM_001128848.2); c.4167+2T>A (NM_001411150.1); c.4072-1743T>A (NM_001128845.2, NM_001128846.2).
Identifiers: ClinVar variation 2987946 (VCV002987946.3), dbSNP rs1555787262, ClinGen allele CA404071964.